The following is an entry in ClinVar:

NM_003803.4(MYOM1):c.3886C>T (p.Arg1296Ter)

Gene: MYOM1 (myomesin 1; minus strand). Cytogenetic location: 18p11.31.
Variant type: single nucleotide variant.
Coding change: c.3886C>T on transcript NM_003803.4 (MANE Select); coding-DNA position 3886, C replaced by T.
Protein change: p.Arg1296Ter; replaces arginine 1296 with a stop codon.
Molecular consequence: nonsense.
Genome position (GRCh38, 1-based): chr18:3,090,781, G>A on the plus strand (C>T on the coding strand, the complement: MYOM1 is on the minus strand). VCF-style: chr18-3090781-G-A. GRCh37 (hg19) VCF-style: chr18-3090779-G-A.
Other names: c.3598C>T, p.Arg1200Ter (NM_019856.2); short protein forms R1296*, R1200*.
Identifiers: ClinVar variation 577641 (VCV000577641.6), dbSNP rs761289389, ClinGen allele CA8874125.

ClinVar aggregate classification (germline): Uncertain significance (1 of 4 stars; one submission).

Conditions:
Hypertrophic cardiomyopathy. Also called: HYPERTROPHIC MYOCARDIOPATHY. Identifiers: Orphanet 217569, MedGen C0007194, MeSH D002312, MONDO:0005045, HP:0001639.

Allele frequency attached by ClinVar (database versions not stated): gnomAD exomes 0.00002; ExAC 0.00002; gnomAD 0.00002 and 0.00003; TOPMed 0.00004.
gnomAD v4.1: 31 of 1,613,590 alleles (0.0019%); highest among the groups gnomAD compares: Non-Finnish European, 0.0024%; no homozygotes.

Submission:

Labcorp Genetics (formerly Invitae), Labcorp
Classification: Uncertain significance for Hypertrophic cardiomyopathy. Last evaluated: 2025-09-20. Review status: criteria provided, single submitter. Criteria: Invitae Variant Classification Sherloc (09022015). Collection method: clinical testing. Allele origin: germline.
Comment: This sequence change creates a premature translational stop signal (p.Arg1296*) in the MYOM1 gene. It is expected to result in an absent or disrupted protein product. However, the current clinical and genetic evidence is not sufficient to establish whether loss-of-function variants in MYOM1 cause disease. This variant is present in population databases (rs761289389, gnomAD 0.004%). This variant has not been reported in the literature in individuals affected with MYOM1-related conditions. ClinVar contains an entry for this variant (Variation ID: 577641). In summary, the available evidence is currently insufficient to determine the role of this variant in disease. Therefore, it has been classified as a Variant of Uncertain Significance.